The following is an entry in ClinVar:

ClinVar aggregate classification (germline): Likely pathogenic (1 of 4 stars; one submission).

Conditions:
COL1A2-related osteogenesis imperfecta. Identifiers: MedGen CN379211, MONDO:0100596.

Submission:

Dasa
Classification: Likely pathogenic for COL1A2-related osteogenesis imperfecta. Last evaluated: 2025-10-15. Review status: criteria provided, single submitter. Criteria: DASA Assertion Criteria. Collection method: clinical testing. Allele origin: germline.
Comment: NM_000089.4(COL1A2):c.1055G>T (p.Gly352Val) is a missense variant that results in the substitution of glycine with valine. The affected residue or protein region has prior evidence supporting clinical relevance. This variant is absent from population databases. Computational evidence supports a deleterious effect. Based on the currently available evidence, this variant is classified as likely pathogenic.

NM_000089.4(COL1A2):c.1055G>T (p.Gly352Val)

Gene: COL1A2 (collagen type I alpha 2 chain; plus strand). Cytogenetic location: 7q21.3.
Variant type: single nucleotide variant.
Coding change: c.1055G>T on transcript NM_000089.4 (MANE Select); coding-DNA position 1055, G replaced by T.
Protein change: p.Gly352Val; replaces glycine 352 with valine.
Molecular consequence: missense variant.
Genome position (GRCh38, 1-based): chr7:94,410,261, G>T. VCF-style: chr7-94410261-G-T. GRCh37 (hg19) VCF-style: chr7-94039573-G-T.
Other names: short protein forms G352V.
Identifiers: ClinVar variation 4881143 (VCV004881143.2).
Genomic context (GRCh38, chr7:94,410,261, plus strand): 5'-AAATGTTTGTCCTTTGACCACTGTTCTGTATTGAACCCTAGGGTGAGCCTGGTCCAGCTG[G>T]CTCCAAAGGAGAGAGCGGTAACAAGGGTGAGCCCGTAAGTAGCTCTATCATCACACTTTT-3'
Protein context (NP_000080.2, residues 342-362): RGLVGEPGPA[Gly352Val]SKGESGNKGE